The following is an entry in ClinVar:

ClinVar aggregate classification (germline): Uncertain significance (1 of 4 stars; one submission).

Conditions:
Fanconi anemia (FA). Also called: Fanconi's anemia. Identifiers: Orphanet 84, MedGen C0015625, MeSH D005199, MONDO:0019391.

Submission:

Labcorp Genetics (formerly Invitae), Labcorp
Classification: Uncertain significance for Fanconi anemia. Last evaluated: 2024-02-13. Review status: criteria provided, single submitter. Criteria: Invitae Variant Classification Sherloc (09022015). Collection method: clinical testing. Allele origin: germline.
Comment: This sequence change replaces asparagine, which is neutral and polar, with serine, which is neutral and polar, at codon 156 of the FANCF protein (p.Asn156Ser). This variant is not present in population databases (gnomAD no frequency). This variant has not been reported in the literature in individuals affected with FANCF-related conditions. Advanced modeling of protein sequence and biophysical properties (such as structural, functional, and spatial information, amino acid conservation, physicochemical variation, residue mobility, and thermodynamic stability) performed at Invitae indicates that this missense variant is not expected to disrupt FANCF protein function with a negative predictive value of 80%. In summary, the available evidence is currently insufficient to determine the role of this variant in disease. Therefore, it has been classified as a Variant of Uncertain Significance.

NM_022725.4(FANCF):c.467A>G (p.Asn156Ser)

Gene: FANCF (FA complementation group F; minus strand). Cytogenetic location: 11p14.3.
Variant type: single nucleotide variant.
Coding change: c.467A>G on transcript NM_022725.4 (MANE Select); coding-DNA position 467, A replaced by G.
Protein change: p.Asn156Ser; replaces asparagine 156 with serine.
Molecular consequence: missense variant.
Genome position (GRCh38, 1-based): chr11:22,625,344, T>C on the plus strand (A>G on the coding strand, the complement: FANCF is on the minus strand). VCF-style: chr11-22625344-T-C. GRCh37 (hg19) VCF-style: chr11-22646890-T-C.
Other names: short protein forms N156S.
Identifiers: ClinVar variation 3625769 (VCV003625769.1).